The following is an entry in ClinVar:

ClinVar aggregate classification (germline): Pathogenic (1 of 4 stars; one submission).

Conditions:
Hereditary cancer-predisposing syndrome. Also called: Hereditary Cancer Syndrome; Hereditary neoplastic syndrome; Neoplastic Syndromes, Hereditary; Tumor predisposition. Identifiers: Orphanet 140162, MedGen C0027672, MeSH D009386, MONDO:0015356.

Submission:

Ambry Genetics
Classification: Pathogenic for Hereditary cancer-predisposing syndrome. Last evaluated: 2025-05-13. Review status: criteria provided, single submitter. Criteria: Ambry Variant Classification Scheme 2023. Collection method: clinical testing. Allele origin: germline.
Comment: The p.S1588* pathogenic mutation (also known as c.4763C>G), located in coding exon 15 of the APC gene, results from a C to G substitution at nucleotide position 4763. This changes the amino acid from a serine to a stop codon within coding exon 15. This alteration occurs at the 3' terminus of theAPC gene, is not expected to trigger nonsense-mediated mRNA decay, and impacts the last 44% of the protein. However, premature stop codons are typically deleterious in nature and a significant portion of the protein is affected (Ambry internal data). This variant was reported in individual(s) with features consistent with APC-related familial adenomatous polyposis (Ambry internal data). This variant is considered to be rare based on population cohorts in the Genome Aggregation Database (gnomAD). Based on the supporting evidence, this variant is interpreted as a disease-causing mutation.

NM_000038.6(APC):c.4763C>G (p.Ser1588Ter)

Gene: APC (APC regulator of Wnt signaling pathway; plus strand). Cytogenetic location: 5q22.2.
Variant type: single nucleotide variant.
Coding change: c.4763C>G on transcript NM_000038.6 (MANE Select); coding-DNA position 4763, C replaced by G.
Protein change: p.Ser1588Ter; replaces serine 1588 with a stop codon.
Molecular consequence: nonsense. On other transcripts: non-coding transcript variant (2).
Genome position (GRCh38, 1-based): chr5:112,840,357, C>G. VCF-style: chr5-112840357-C-G. GRCh37 (hg19) VCF-style: chr5-112176054-C-G.
Other names: c.4763C>G, p.Ser1588Ter (NM_001127510.3, NM_001354895.2, NM_001407450.1); c.4709C>G, p.Ser1570Ter (NM_001127511.3); c.4817C>G, p.Ser1606Ter (NM_001354896.2, NM_001407447.1, NM_001407448.1 and 1 more transcripts); c.4793C>G, p.Ser1598Ter (NM_001354897.2); c.4688C>G, p.Ser1563Ter (NM_001354898.2); c.4679C>G, p.Ser1560Ter (NM_001354899.2); c.4640C>G, p.Ser1547Ter (NM_001354900.2); c.4586C>G, p.Ser1529Ter (NM_001354901.2, NM_001407453.1); and 11 more; short protein forms S1428*, S1487*, S1505*, S1529*, S1560*, S1578*, S1581*, S1606*.
Identifiers: ClinVar variation 3928773 (VCV003928773.1).
Genomic context (GRCh38, chr5:112,840,357, plus strand): 5'-ATGATGATGATATTGAAATACTAGAAGAATGTATTATTTCTGCCATGCCAACAAAGTCAT[C>G]ACGTAAAGCAAAAAAGCCAGCCCAGACTGCTTCAAAATTACCTCCACCTGTGGCAAGGAA-3'